The following is an entry in ClinVar:

NM_058216.3(RAD51C):c.706-3_706-1delinsAT

Gene: RAD51C (RAD51 paralog C; plus strand). Cytogenetic location: 17q22.
Variant type: Indel.
Coding change: c.706-3_706-1delinsAT on transcript NM_058216.3 (MANE Select); 3 bases into the intron before coding-DNA position 706 through the canonical splice acceptor site of the intron before coding-DNA position 706, TAG replaced by AT.
Molecular consequence: splice acceptor variant.
Genome position (GRCh38, 1-based): chr17:58,709,856-58,709,858, TAG replaced by AT. VCF-style: chr17-58709856-TAG-AT. GRCh37 (hg19) VCF-style: chr17-56787217-TAG-AT.
Identifiers: ClinVar variation 4082276 (VCV004082276.1).

ClinVar aggregate classification (germline): Likely pathogenic (1 of 4 stars; one submission).

Conditions:
Hereditary breast ovarian cancer syndrome. Also called: BRCA1- and BRCA2-Associated Hereditary Breast and Ovarian Cancer; Hereditary breast and ovarian cancer; Hereditary breast and ovarian cancer syndrome (HBOC); Hereditary breast and/or ovarian cancer syndrome; Hereditary breast and ovarian cancer syndrome; Breast and ovarian cancer. Identifiers: Orphanet 145, MedGen C0677776, MeSH D061325, MONDO:0003582. Disease mechanism: loss of function.

Submission:

German Consortium for Hereditary Breast and Ovarian Cancer, University Hospital Cologne
Classification: Likely pathogenic for Hereditary breast ovarian cancer syndrome. Last evaluated: 2025-08-12. Review status: criteria provided, single submitter. Criteria: ACMG Guidelines, 2015. Collection method: curation. Allele origin: germline.
Comment: This classification follows the ACMG SVI adaptation classification scheme; We chose these criteria: PVS1 (strong pathogenic): As per Tayoun (2018, PMID: 30192042): Exon skipping or use of a cryptic splice site preserves reading frame --> Role of region in protein function is unknown --> LoF variants in this exon are not frequent in the general population and exon is present in biologically-relevant transcript(s) --> Variant removes >10% of protein --> PVS1_STR, PS1 (medium pathogenic): variant c.706-2A>G classified as pathogenic with same spliceAI predictions, PM2 (supporting pathogenic): absent from gnomAD v4/3/2